The following is an entry in ClinVar:

NM_033118.4(MYLK2):c.632C>A (p.Thr211Asn)

Gene: MYLK2 (myosin light chain kinase 2; plus strand). Cytogenetic location: 20q11.21.
Variant type: single nucleotide variant.
Coding change: c.632C>A on transcript NM_033118.4 (MANE Select); coding-DNA position 632, C replaced by A.
Protein change: p.Thr211Asn; replaces threonine 211 with asparagine.
Molecular consequence: missense variant.
Genome position (GRCh38, 1-based): chr20:31,821,597, C>A. VCF-style: chr20-31821597-C-A. GRCh37 (hg19) VCF-style: chr20-30409400-C-A.
Other names: short protein forms T211N.
Identifiers: ClinVar variation 2155080 (VCV002155080.4), dbSNP rs764248903, ClinGen allele CA9802965.
Genomic context (GRCh38, chr20:31,821,597, plus strand): 5'-CCAAGGCAGAAGAAGGAAAGAACATCCTGGCAGAGAGCCAGAAGGAAGTGGGAGAGAAAA[C>A]CCCAGGCCAGGCTGGCCAGGCTAAGATGCAAGGGGACACCTCGAGGGGGATTGAGTTCCA-3'
Protein context (NP_149109.1, residues 201-221): AESQKEVGEK[Thr211Asn]PGQAGQAKMQ

ClinVar aggregate classification (germline): Uncertain significance (1 of 4 stars; one submission).

Conditions:
Hypertrophic cardiomyopathy 1 (CMH1). Also called: Familial hypertrophic cardiomyopathy 1; MYH7-Related Familial Hypertrophic Cardiomyopathy. Identifiers: MedGen C3495498, MONDO:0008647, OMIM 192600.

Allele frequency attached by ClinVar (database versions not stated): gnomAD exomes below 0.00001; TOPMed below 0.00001; ExAC 0.00001.
gnomAD v4.1: 2 of 1,614,118 alleles (0.00012%); highest among the groups gnomAD compares: African/African-American, 0.0013%; no homozygotes.

Submission:

Labcorp Genetics (formerly Invitae), Labcorp
Classification: Uncertain significance for Hypertrophic cardiomyopathy 1. Last evaluated: 2024-12-23. Review status: criteria provided, single submitter. Criteria: Invitae Variant Classification Sherloc (09022015). Collection method: clinical testing. Allele origin: germline.
Comment: This sequence change replaces threonine, which is neutral and polar, with asparagine, which is neutral and polar, at codon 211 of the MYLK2 protein (p.Thr211Asn). This variant is present in population databases (rs764248903, gnomAD 0.007%). This variant has not been reported in the literature in individuals affected with MYLK2-related conditions. ClinVar contains an entry for this variant (Variation ID: 2155080). Invitae Evidence Modeling of protein sequence and biophysical properties (such as structural, functional, and spatial information, amino acid conservation, physicochemical variation, residue mobility, and thermodynamic stability) indicates that this missense variant is not expected to disrupt MYLK2 protein function with a negative predictive value of 80%. In summary, the available evidence is currently insufficient to determine the role of this variant in disease. Therefore, it has been classified as a Variant of Uncertain Significance.